The following is an entry in ClinVar:

NM_001031711.3(ERGIC1):c.155+1G>A

Gene: ERGIC1 (endoplasmic reticulum-golgi intermediate compartment 1; plus strand). Cytogenetic location: 5q35.1.
Variant type: single nucleotide variant.
Coding change: c.155+1G>A on transcript NM_001031711.3 (MANE Select); the canonical splice donor site of the intron after coding-DNA position 155, G replaced by A.
Molecular consequence: splice donor variant.
Genome position (GRCh38, 1-based): chr5:172,897,075, G>A. VCF-style: chr5-172897075-G-A. GRCh37 (hg19) VCF-style: chr5-172324078-G-A.
Identifiers: ClinVar variation 3367130 (VCV003367130.1).

ClinVar aggregate classification (germline): Uncertain significance (1 of 4 stars; one submission).

Conditions:
Arthrogryposis multiplex congenita 2, neurogenic type (AMC2). Also called: Neurogenic arthrogryposis multiplex congenita; AMC, NEUROGENIC TYPE. Identifiers: Orphanet 1143, MedGen C5435650, MONDO:0008823, OMIM 208100.

gnomAD v4.1: 6 of 1,613,818 alleles (0.00037%); highest among the groups gnomAD compares: African/African-American, 0.0013%; no homozygotes.

Submission:

Neuberg Centre For Genomic Medicine, NCGM
Classification: Uncertain significance for Arthrogryposis multiplex congenita 2, neurogenic type. Last evaluated: 2023-05-20. Review status: criteria provided, single submitter. Criteria: ACMG Guidelines, 2015. Collection method: clinical testing. Allele origin: germline. Inheritance: Autosomal recessive inheritance. Affected: yes.
Comment: The observed splice donor variant c.155+1G>A in the ERGIC1 gene has not been reported previously as a pathogenic variant nor as a benign variant, to our knowledge. This variant is reported with the allele frequency 0.004% in the gnomAD Exomes. The variant affects the GT donor splice site downstream of exon 3. Loss of function variants in this gene have not been previously reported to be disease causing. Additional studies are required to prove the pathogenicity of the variant. For these reasons, this variant has been classified as Uncertain significance.